The following is an entry in ClinVar:

ClinVar aggregate classification (germline): Uncertain significance (1 of 4 stars; one submission).

Allele frequency attached by ClinVar (database versions not stated): gnomAD exomes below 0.00001.
gnomAD v4.1: 2 of 1,613,740 alleles (0.00012%); highest among the groups gnomAD compares: Non-Finnish European, 0.00017%; no homozygotes.

Submission:

CeGaT Center for Human Genetics Tuebingen
Classification: Uncertain significance. Last evaluated: 2022-06-01. Review status: criteria provided, single submitter. Criteria: CeGaT Center For Human Genetics Tuebingen Variant Classification Criteria Version 2. Collection method: clinical testing. Allele origin: germline. Affected: yes. Observed: 1 variant allele.
Comment: MYBPC1: PM2

NM_002465.4(MYBPC1):c.2357-979C>A

Gene: MYBPC1 (myosin binding protein C1; plus strand). Cytogenetic location: 12q23.2.
Variant type: single nucleotide variant.
Coding change: c.2357-979C>A on transcript NM_002465.4 (MANE Select); 979 bases into the intron before coding-DNA position 2357, C replaced by A.
Molecular consequence: intron variant. On other transcripts: missense variant (2).
Genome position (GRCh38, 1-based): chr12:101,666,753, C>A. VCF-style: chr12-101666753-C-A. GRCh37 (hg19) VCF-style: chr12-102060531-C-A.
Other names: c.2147-979C>A (NM_001404677.1, NM_001404679.1, NM_001404681.1); c.2291C>A, p.Ala764Glu (NM_001254718.3, NM_206820.4); c.2357-979C>A (NM_206819.4, NM_001404675.1); c.2282-979C>A (NM_001254719.3, NM_206821.4); c.2225-979C>A (NM_001254721.3, NM_001404678.1, NM_001404676.1); c.2246-979C>A (NM_001254720.3); c.2243-979C>A (NM_001254723.3); c.2204-979C>A (NM_001254722.3, NM_001404680.1); short protein forms A764E.
Identifiers: ClinVar variation 2643241 (VCV002643241.24), dbSNP rs2547757245, ClinGen allele CA386285280.